The following is an entry in ClinVar:

ClinVar aggregate classification (germline): Uncertain significance (1 of 4 stars; one submission).

Conditions:
Hereditary cancer-predisposing syndrome. Also called: Hereditary Cancer Syndrome; Tumor predisposition; Hereditary neoplastic syndrome; Neoplastic Syndromes, Hereditary. Identifiers: Orphanet 140162, MedGen C0027672, MeSH D009386, MONDO:0015356.

gnomAD v4.1: 1 of 1,611,736 alleles (0.000062%); highest among the groups gnomAD compares: Non-Finnish European, 0.000085%; no homozygotes.

Submission:

Ambry Genetics
Classification: Uncertain significance for Hereditary cancer-predisposing syndrome. Last evaluated: 2024-10-02. Review status: criteria provided, single submitter. Criteria: Ambry Variant Classification Scheme 2023. Collection method: clinical testing. Allele origin: germline.
Comment: The p.T525I variant (also known as c.1574C>T), located in coding exon 9 of the MEN1 gene, results from a C to T substitution at nucleotide position 1574. The threonine at codon 525 is replaced by isoleucine, an amino acid with similar properties. This amino acid position is conserved. In addition, this alteration is predicted to be tolerated by in silico analysis. Based on the available evidence, the clinical significance of this variant remains unclear.

NM_001370259.2(MEN1):c.1574C>T (p.Thr525Ile)

Gene: MEN1 (menin 1; minus strand). Cytogenetic location: 11q13.1.
Variant type: single nucleotide variant.
Coding change: c.1574C>T on transcript NM_001370259.2 (MANE Select); coding-DNA position 1574, C replaced by T.
Protein change: p.Thr525Ile; replaces threonine 525 with isoleucine.
Molecular consequence: missense variant. On other transcripts: non-coding transcript variant (4).
Genome position (GRCh38, 1-based): chr11:64,804,593, G>A on the plus strand (C>T on the coding strand, the complement: MEN1 is on the minus strand). VCF-style: chr11-64804593-G-A. GRCh37 (hg19) VCF-style: chr11-64572065-G-A.
Other names: c.1589C>T, p.Thr530Ile (NM_000244.4, NM_001407145.1, NM_130800.3 and 4 more transcripts); c.1700C>T, p.Thr567Ile (NM_001370251.2, NM_001407142.1, NM_001407143.1 and 1 more transcripts); c.1574C>T, p.Thr525Ile (NM_001370260.2, NM_001370261.2, NM_001407146.1 and 2 more transcripts); c.1469C>T, p.Thr490Ile (NM_001370262.2, NM_001370263.2, NM_001407148.1 and 1 more transcripts); c.1715C>T, p.Thr572Ile (NM_001407150.1); c.1595C>T, p.Thr532Ile (NM_001407151.1); c.1409C>T, p.Thr470Ile (NM_001407152.1); short protein forms T567I, T525I, T532I, T470I, T572I, T490I, T530I.
Identifiers: ClinVar variation 3394978 (VCV003394978.1).